The following is an entry in ClinVar:

ClinVar aggregate classification (germline): Uncertain significance. Review status: criteria provided, multiple submitters, no conflicts (2 of 4 stars). 4 submissions from 4 submitters: Uncertain significance (4). Last evaluated 2025-06-17.

Conditions:
Cardiovascular phenotype. Identifiers: MedGen CN230736.
Dilated cardiomyopathy 1HH (CMD1HH). Identifiers: Orphanet 154, MedGen C3151293, MONDO:0013479, OMIM 613881.
Myofibrillar myopathy 6. Identifiers: Orphanet 199340, MedGen C2751831, MONDO:0013061, OMIM 612954.

Allele frequency attached by ClinVar (database versions not stated): TOPMed below 0.00001; ESP Exome Variant Server 0.00008.
gnomAD v4.1: 3 of 1,614,134 alleles (0.00019%); highest among the groups gnomAD compares: Non-Finnish European, 0.00025%; no homozygotes.

Submissions (4):

Ambry Genetics
Classification: Uncertain significance for Cardiovascular phenotype. Last evaluated: 2025-06-17. Review status: criteria provided, single submitter. Criteria: Ambry Variant Classification Scheme 2023. Collection method: clinical testing. Allele origin: germline.
Comment: The p.A391V variant (also known as c.1172C>T), located in coding exon 4 of the BAG3 gene, results from a C to T substitution at nucleotide position 1172. The alanine at codon 391 is replaced by valine, an amino acid with similar properties. This amino acid position is not well conserved in available vertebrate species. In addition, this alteration is predicted to be tolerated by in silico analysis. Based on the available evidence, the clinical significance of this variant remains unclear.

Department of Pathology and Laboratory Medicine, Sinai Health System
Classification: Uncertain significance for Dilated cardiomyopathy 1HH; Myofibrillar myopathy 6. Last evaluated: 2021-12-15. Review status: criteria provided, single submitter. Criteria: ACMG Guidelines, 2015. Collection method: research. Allele origin: germline.

GeneDx
Classification: Uncertain significance. Last evaluated: 2016-11-08. Review status: criteria provided, single submitter. Criteria: GeneDx Variant Classification (06012015). Collection method: clinical testing. Allele origin: germline. Affected: yes.
Comment: The A391V variant in the BAG3 gene has not been reported previously as a pathogenic variant, nor as a benign variant, to our knowledge. The A391V variant was not observed with any significant frequency in approximately 6500 individuals of European and African American ancestry in the NHLBI Exome Sequencing Project, indicating it is not a common benign variant in these populations. The A391V variant is a conservative amino acid substitution, which is not likely to impact secondary protein structure as these residues share similar properties. This substitution occurs at a position that is not conserved. In silico analysis is inconsistent in its predictions as to whether or not the variant is damaging to the protein structure/function. We interpret A391V as a variant of uncertain significance,

Biesecker Lab/Clinical Genomics Section, National Institutes of Health
Classification: Uncertain significance. Last evaluated: 2013-06-24. Review status: criteria provided, single submitter. Criteria: Ng et al. (Circ Cardiovasc Genet. 2013). Collection method: research. Allele origin: unknown. Observed: 1 variant allele. Study: ClinSeq.
Comment: The study set was not selected for affection status in relation to any cancer. Pathogenicity categories were based on literature curation. See Pubmed ID:23861362 for details.

Medical sequencing

NM_004281.4(BAG3):c.1172C>T (p.Ala391Val)

Gene: BAG3 (BAG cochaperone 3; plus strand). Cytogenetic location: 10q26.11.
Variant type: single nucleotide variant.
Coding change: c.1172C>T on transcript NM_004281.4 (MANE Select); coding-DNA position 1172, C replaced by T.
Protein change: p.Ala391Val; replaces alanine 391 with valine.
Molecular consequence: missense variant.
Genome position (GRCh38, 1-based): chr10:119,676,726, C>T. VCF-style: chr10-119676726-C-T. GRCh37 (hg19) VCF-style: chr10-121436238-C-T.
Other names: short protein forms A391V.
Identifiers: ClinVar variation 191611 (VCV000191611.4), dbSNP rs200242752, ClinGen allele CA237058.